The following is an entry in ClinVar:

ClinVar aggregate classification (germline): Uncertain significance (1 of 4 stars; one submission).

Conditions:
Hypertrophic cardiomyopathy. Also called: HYPERTROPHIC MYOCARDIOPATHY. Identifiers: Orphanet 217569, MedGen C0007194, MeSH D002312, MONDO:0005045, HP:0001639.

Submission:

Labcorp Genetics (formerly Invitae), Labcorp
Classification: Uncertain significance for Hypertrophic cardiomyopathy. Last evaluated: 2022-07-11. Review status: criteria provided, single submitter. Criteria: Invitae Variant Classification Sherloc (09022015). Collection method: clinical testing. Allele origin: germline.
Comment: Algorithms developed to predict the effect of missense changes on protein structure and function (SIFT, PolyPhen-2, Align-GVGD) all suggest that this variant is likely to be disruptive. This variant has not been reported in the literature in individuals affected with MYBPC3-related conditions. This variant is not present in population databases (gnomAD no frequency). This sequence change replaces tryptophan, which is neutral and slightly polar, with serine, which is neutral and polar, at codon 1086 of the MYBPC3 protein (p.Trp1086Ser). In summary, the available evidence is currently insufficient to determine the role of this variant in disease. Therefore, it has been classified as a Variant of Uncertain Significance.

NM_000256.3(MYBPC3):c.3257G>C (p.Trp1086Ser)

Gene: MYBPC3 (myosin binding protein C3; minus strand). Cytogenetic location: 11p11.2.
Variant type: single nucleotide variant.
Coding change: c.3257G>C on transcript NM_000256.3 (MANE Select); coding-DNA position 3257, G replaced by C.
Protein change: p.Trp1086Ser; replaces tryptophan 1086 with serine.
Molecular consequence: missense variant.
Genome position (GRCh38, 1-based): chr11:47,333,267, C>G on the plus strand (G>C on the coding strand, the complement: MYBPC3 is on the minus strand). VCF-style: chr11-47333267-C-G. GRCh37 (hg19) VCF-style: chr11-47354818-C-G.
Other names: short protein forms W1086S.
Identifiers: ClinVar variation 2015877 (VCV002015877.4), dbSNP rs779650200, ClinGen allele CA380314287.